The following is an entry in ClinVar:

ClinVar aggregate classification (germline): Uncertain significance (1 of 4 stars; one submission).

Conditions:
Hereditary cancer-predisposing syndrome. Also called: Neoplastic Syndromes, Hereditary; Tumor predisposition; Hereditary neoplastic syndrome; Hereditary Cancer Syndrome. Identifiers: Orphanet 140162, MedGen C0027672, MeSH D009386, MONDO:0015356.

Submission:

Ambry Genetics
Classification: Uncertain significance for Hereditary cancer-predisposing syndrome. Last evaluated: 2023-03-06. Review status: criteria provided, single submitter. Criteria: Ambry Variant Classification Scheme 2023. Collection method: clinical testing. Allele origin: germline.
Comment: The p.L147P variant (also known as c.440T>C), located in coding exon 3 of the CDK4 gene, results from a T to C substitution at nucleotide position 440. The leucine at codon 147 is replaced by proline, an amino acid with similar properties. This amino acid position is conserved. In addition, this alteration is predicted to be deleterious by in silico analysis. Since supporting evidence is limited at this time, the clinical significance of this alteration remains unclear.

NM_000075.4(CDK4):c.440T>C (p.Leu147Pro)

Gene: CDK4 (cyclin dependent kinase 4; minus strand). Cytogenetic location: 12q14.1.
Variant type: single nucleotide variant.
Coding change: c.440T>C on transcript NM_000075.4 (MANE Select); coding-DNA position 440, T replaced by C.
Protein change: p.Leu147Pro; replaces leucine 147 with proline.
Molecular consequence: missense variant.
Genome position (GRCh38, 1-based): chr12:57,751,005, A>G on the plus strand (T>C on the coding strand, the complement: CDK4 is on the minus strand). VCF-style: chr12-57751005-A-G. GRCh37 (hg19) VCF-style: chr12-58144788-A-G.
Other names: short protein forms L147P.
Identifiers: ClinVar variation 2452476 (VCV002452476.2), dbSNP rs2140386518, ClinGen allele CA385546484.